The following is an entry in ClinVar:

NM_001286445.3(RIPOR2):c.1411G>A (p.Glu471Lys)

Gene: RIPOR2 (RHO family interacting cell polarization regulator 2; minus strand). Cytogenetic location: 6p22.3.
Variant type: single nucleotide variant.
Coding change: c.1411G>A on transcript NM_001286445.3 (MANE Select); coding-DNA position 1411, G replaced by A.
Protein change: p.Glu471Lys; replaces glutamic acid 471 with lysine.
Molecular consequence: missense variant.
Genome position (GRCh38, 1-based): chr6:24,843,308, C>T on the plus strand (G>A on the coding strand, the complement: RIPOR2 is on the minus strand). VCF-style: chr6-24843308-C-T. GRCh37 (hg19) VCF-style: chr6-24843536-C-T.
Other names: c.1426G>A, p.Glu476Lys (NM_001286446.3); c.1324G>A, p.Glu442Lys (NM_001286447.2, NM_001346031.2, NM_001346032.2 and 1 more transcripts); c.1474G>A, p.Glu492Lys (NM_014722.5); short protein forms E442K, E471K, E476K, E492K.
Identifiers: ClinVar variation 3767685 (VCV003767685.1).
Genomic context (GRCh38, chr6:24,843,308, plus strand): 5'-CAGGTTTTCTGGGCTCCTCTGGGTCTTCCTCCTTCAGGTGTGACTTTGGCTCTTGGCCTT[C>T]TCCCAGGGAGTTCCTGGAAGATGCTGAGCTGGTGTCATCCATACCCTCATTCTGGGAGGC-3'
Protein context (NP_001273374.1, residues 461-481): SSASSRNSLG[Glu471Lys]GQEPKSHLKE

ClinVar aggregate classification (germline): Uncertain significance (1 of 4 stars; one submission).

Submission:

GeneDx
Classification: Uncertain significance. Last evaluated: 2024-09-05. Review status: criteria provided, single submitter. Criteria: GeneDx Variant Classification Process June 2021. Collection method: clinical testing. Allele origin: germline. Affected: yes.
Comment: Not observed at significant frequency in large population cohorts (gnomAD); In silico analysis indicates that this missense variant does not alter protein structure/function; Has not been previously published as pathogenic or benign to our knowledge